The following is an entry in ClinVar:

ClinVar aggregate classification (germline): Conflicting classifications of pathogenicity. Review status: criteria provided, conflicting classifications (1 of 4 stars). 4 submissions from 4 submitters: Uncertain significance (1); Likely benign (3). Last evaluated 2025-11-06.

Conditions:
Primary dilated cardiomyopathy (DCM). Also called: Dilated Cardiomyopathy. Identifiers: Orphanet 217604, MedGen C0007193, MeSH D002311, MONDO:0005021, HP:0001644. Inheritance: Various modes of inheritance.

Allele frequency attached by ClinVar (database versions not stated): gnomAD exomes 0.00003 and 0.00009; ExAC 0.00014; TOPMed 0.00034; gnomAD 0.00036 and 0.00039; ESP Exome Variant Server 0.00038; 1000 Genomes Project 0.00120; 1000 Genomes Project 30x 0.00172.
gnomAD v4.1: 100 of 1,607,860 alleles (0.0062%); highest among the groups gnomAD compares: African/African-American, 0.12%; no homozygotes.

Submissions (4):

Labcorp Genetics (formerly Invitae), Labcorp
Classification: Likely benign for Primary dilated cardiomyopathy. Last evaluated: 2025-11-06. Review status: criteria provided, single submitter. Criteria: Invitae Variant Classification Sherloc (09022015). Collection method: clinical testing. Allele origin: germline.

Women's Health and Genetics/Laboratory Corporation of America, LabCorp
Classification: Likely benign. Last evaluated: 2025-06-20. Review status: criteria provided, single submitter. Criteria: LabCorp Variant Classification Summary - May 2015. Collection method: clinical testing. Allele origin: germline.

GeneDx
Classification: Uncertain significance. Last evaluated: 2024-06-03. Review status: criteria provided, single submitter. Criteria: GeneDx Variant Classification Process June 2021. Collection method: clinical testing. Allele origin: germline. Affected: yes.
Comment: Has not been previously published as pathogenic or benign to our knowledge; In silico analysis supports that this missense variant has a deleterious effect on protein structure/function; Variants in candidate genes are classified as variants of uncertain significance in accordance with ACMG guidelines (PMID: 25741868)

Breakthrough Genomics
Classification: Likely benign. Review status: criteria provided, single submitter. Criteria: ACMG Guidelines, 2015. Collection method: not provided. Allele origin: germline. Inheritance: Unknown mechanism. Affected: yes.

NM_006393.3(NEBL):c.908A>G (p.Glu303Gly)

Gene: NEBL (nebulette; minus strand). Cytogenetic location: 10p12.31.
Variant type: single nucleotide variant.
Coding change: c.908A>G on transcript NM_006393.3 (MANE Select); coding-DNA position 908, A replaced by G.
Protein change: p.Glu303Gly; replaces glutamic acid 303 with glycine.
Molecular consequence: missense variant. On other transcripts: intron variant (9).
Genome position (GRCh38, 1-based): chr10:20,852,645, T>C on the plus strand (A>G on the coding strand, the complement: NEBL is on the minus strand). VCF-style: chr10-20852645-T-C. GRCh37 (hg19) VCF-style: chr10-21141574-T-C.
Other names: c.250-39705A>G (NM_001377326.1, NM_001377327.1, NM_001377328.1); c.358-39705A>G (NM_213569.2, NM_001173484.2, NM_001377322.1); c.301-39705A>G (NM_001377324.1); c.292-39705A>G (NM_001377325.1); c.310-39705A>G (NM_001377323.1); short protein forms E303G.
Identifiers: ClinVar variation 454278 (VCV000454278.19), dbSNP rs139610204, ClinGen allele CA5433035.